The following is an entry in ClinVar:

ClinVar aggregate classification (germline): Uncertain significance (1 of 4 stars; one submission).

Submission:

CeGaT Center for Human Genetics Tuebingen
Classification: Uncertain significance. Last evaluated: 2023-04-01. Review status: criteria provided, single submitter. Criteria: CeGaT Center For Human Genetics Tuebingen Variant Classification Criteria Version 2. Collection method: clinical testing. Allele origin: germline. Affected: yes. Observed: 1 variant allele.
Comment: PIK3R2: PM2

NM_005027.4(PIK3R2):c.1894G>A (p.Ala632Thr)

Gene: PIK3R2 (phosphoinositide-3-kinase regulatory subunit 2; plus strand). Cytogenetic location: 19p13.11.
Variant type: single nucleotide variant.
Coding change: c.1894G>A on transcript NM_005027.4 (MANE Select); coding-DNA position 1894, G replaced by A.
Protein change: p.Ala632Thr; replaces alanine 632 with threonine.
Molecular consequence: missense variant. On other transcripts: non-coding transcript variant (2).
Genome position (GRCh38, 1-based): chr19:18,168,811, G>A. VCF-style: chr19-18168811-G-A. GRCh37 (hg19) VCF-style: chr19-18279621-G-A.
Other names: short protein forms A632T.
Identifiers: ClinVar variation 2649571 (VCV002649571.24), dbSNP rs2147959854, ClinGen allele CA404815580.